The following is an entry in ClinVar:

ClinVar aggregate classification (germline): Benign. Review status: criteria provided, multiple submitters, no conflicts (2 of 4 stars). 4 submissions from 4 submitters: Benign (4). Last evaluated 2026-02-04.

Allele frequency attached by ClinVar (database versions not stated): 1000 Genomes Project 30x 0.27030; 1000 Genomes Project 0.27256; ESP Exome Variant Server 0.29458; gnomAD 0.31772 and 0.31837; TOPMed 0.32105; gnomAD exomes 0.32773 and 0.36529; ExAC 0.37321.
gnomAD v4.1: 560,313 of 1,551,170 alleles (36%); highest among the groups gnomAD compares: Middle Eastern, 52%; 104,115 homozygotes.

Submissions (8):

Labcorp Genetics (formerly Invitae), Labcorp
Classification: Benign. Last evaluated: 2026-02-04. Review status: criteria provided, single submitter. Criteria: Invitae Variant Classification Sherloc (09022015). Collection method: clinical testing. Allele origin: germline.

Blueprint Genetics
Classification: Benign. Last evaluated: 2024-11-27. Review status: criteria provided, single submitter. Criteria: ACMG Guidelines, 2015. Collection method: clinical testing. Allele origin: germline.

Unidad de Genómica Garrahan, Hospital de Pediatría Garrahan
Classification: Benign. Last evaluated: 2024-07-31. Review status: criteria provided, single submitter. Criteria: ACMG Guidelines, 2015. Collection method: clinical testing. Allele origin: germline. Affected: no. Observed: 47 variant alleles.
Comment: This variant is classified as Benign based on local population frequency. This variant was detected in 51% of patients studied in a panel designed for Epileptic and Developmental Encephalopathy, Progressive Myoclonus Epilepsy and Abnormal Movements and Neurodegeneration with brain iron accumulation. Number of patients: 47. Only high quality variants are reported.

Breakthrough Genomics
Classification: Benign. Review status: criteria provided, single submitter. Criteria: ACMG Guidelines, 2015. Collection method: not provided. Allele origin: germline. Inheritance: Autosomal recessive inheritance. Affected: yes.

Dr. Peter K. Rogan Lab, Western University
No classification provided (evidence only). Condition: Uterine carcinosarcoma. Review status: no classification provided. Collection method: in vitro. Allele origin: not applicable. Functional consequence: retained intron. Not counted in ClinVar's aggregate classification.

Dr. Peter K. Rogan Lab, Western University
No classification provided (evidence only). Condition: Uterine carcinosarcoma. Review status: no classification provided. Collection method: in vitro. Allele origin: not applicable. Functional consequence: retained intron. Not counted in ClinVar's aggregate classification.

Dr. Peter K. Rogan Lab, Western University
No classification provided (evidence only). Condition: Uterine carcinosarcoma. Review status: no classification provided. Collection method: in vitro. Allele origin: not applicable. Functional consequence: retained intron. Not counted in ClinVar's aggregate classification.

Dr. Peter K. Rogan Lab, Western University
No classification provided (evidence only). Condition: Uterine carcinosarcoma. Review status: no classification provided. Collection method: in vitro. Allele origin: not applicable. Functional consequence: retained intron. Not counted in ClinVar's aggregate classification.

NM_000718.4(CACNA1B):c.6489+18A>G

Gene: CACNA1B (calcium voltage-gated channel subunit alpha1 B; plus strand). Cytogenetic location: 9q34.3.
Variant type: single nucleotide variant.
Coding change: c.6489+18A>G on transcript NM_000718.4 (MANE Select); 18 bases into the intron after coding-DNA position 6489, A replaced by G.
Molecular consequence: intron variant.
Genome position (GRCh38, 1-based): chr9:138,120,899, A>G. VCF-style: chr9-138120899-A-G. GRCh37 (hg19) VCF-style: chr9-141015351-A-G.
Other names: c.6489+18A>G (NM_001243812.2).
Identifiers: ClinVar variation 1647643 (VCV001647643.14), dbSNP rs2278972, ClinGen allele CA5377724.